The following is an entry in ClinVar:

ClinVar aggregate classification (germline): Likely benign. Review status: criteria provided, multiple submitters, no conflicts (2 of 4 stars). 3 submissions from 3 submitters: Likely benign (3). Last evaluated 2025-07-30.

Conditions:
Hereditary cancer-predisposing syndrome. Also called: Hereditary Cancer Syndrome; Hereditary neoplastic syndrome; Neoplastic Syndromes, Hereditary; Tumor predisposition. Identifiers: Orphanet 140162, MedGen C0027672, MeSH D009386, MONDO:0015356.

Allele frequency attached by ClinVar (database versions not stated): gnomAD exomes below 0.00001.
gnomAD v4.1: 2 of 1,614,170 alleles (0.00012%); highest among the groups gnomAD compares: Non-Finnish European, 0.00017%; no homozygotes.

Submissions (3):

Labcorp Genetics (formerly Invitae), Labcorp
Classification: Likely benign. Last evaluated: 2025-07-30. Review status: criteria provided, single submitter. Criteria: Invitae Variant Classification Sherloc (09022015). Collection method: clinical testing. Allele origin: germline.

Ambry Genetics
Classification: Likely benign for Hereditary cancer-predisposing syndrome. Last evaluated: 2018-12-31. Review status: criteria provided, single submitter. Criteria: Ambry Variant Classification Scheme 2023. Collection method: clinical testing. Allele origin: germline.

GeneDx
Classification: Likely benign. Last evaluated: 2016-08-15. Review status: criteria provided, single submitter. Criteria: GeneDx Variant Classification (06012015). Collection method: clinical testing. Allele origin: germline. Affected: yes.
Comment: This variant is considered likely benign or benign based on one or more of the following criteria: it is a conservative change, it occurs at a poorly conserved position in the protein, it is predicted to be benign by multiple in silico algorithms, and/or has population frequency not consistent with disease.

NM_006231.4(POLE):c.6162T>C (p.Tyr2054=)

Gene: POLE (DNA polymerase epsilon, catalytic subunit; minus strand). Cytogenetic location: 12q24.33.
Variant type: single nucleotide variant.
Coding change: c.6162T>C on transcript NM_006231.4 (MANE Select); coding-DNA position 6162, T replaced by C.
Protein change: p.Tyr2054=; no amino-acid change (tyrosine 2054 retained).
Molecular consequence: synonymous variant.
Genome position (GRCh38, 1-based): chr12:132,632,483, A>G on the plus strand (T>C on the coding strand, the complement: POLE is on the minus strand). VCF-style: chr12-132632483-A-G. GRCh37 (hg19) VCF-style: chr12-133209069-A-G.
Identifiers: ClinVar variation 388625 (VCV000388625.13), dbSNP rs1057523175, ClinGen allele CA16606495.